The following is an entry in ClinVar:

NM_014425.5(INVS):c.3168_3169insGGTTATAACCT (p.Thr1057fs)

Gene: INVS (inversin; plus strand). Cytogenetic location: 9q31.1.
Variant type: Insertion.
Coding change: c.3168_3169insGGTTATAACCT on transcript NM_014425.5 (MANE Select); coding-DNA positions 3168 to 3169, GGTTATAACCT inserted.
Protein change: p.Thr1057fs; shifts the reading frame from threonine 1057.
Molecular consequence: frameshift variant. On other transcripts: non-coding transcript variant (1).
Genome position: GRCh38 VCF-style: chr9-100300642-G-GCTGGTTATAAC. GRCh37 (hg19) VCF-style: chr9-103062924-G-GCTGGTTATAAC.
Other names: c.2880_2881insGGTTATAACCT, p.Thr961fs (NM_001318381.2); c.2190_2191insGGTTATAACCT, p.Thr731fs (NM_001318382.2); short protein forms T731fs, T1057fs, T961fs.
Identifiers: ClinVar variation 4983519 (VCV004983519.1).

ClinVar aggregate classification (germline): Uncertain significance (1 of 4 stars; one submission).

Conditions:
INVS-related disorder. Also called: INVS-related condition.

Submission:

PreventionGenetics, part of Exact Sciences
Classification: Uncertain significance for INVS-related condition. Last evaluated: 2026-06-16. Review status: criteria provided, single submitter. Criteria: ACMG Guidelines, 2015. Collection method: clinical testing. Allele origin: germline.
Comment: The INVS c.3168_3169insGGTTATAACCT variant is predicted to result in a frameshift and premature protein termination (p.Thr1057Glyfs*53). This variant resides in the final exon of this gene, and it is not expected that the resulting mRNA would undergo nonsense-mediated decay. To our knowledge, this variant has not been reported in the literature or in a large population database (gnomAD), indicating this variant is rare, nor have any causative variants been documented downstream of the p.Thr1057Glyfs*53 variant. At this time, the clinical significance of this variant is uncertain due to the absence of conclusive functional and genetic evidence.